The following is an entry in ClinVar:

ClinVar aggregate classification (germline): Benign (1 of 4 stars; one submission).

Conditions:
Disorders of Intracellular Cobalamin Metabolism. Identifiers: MedGen CN043592.

Allele frequency attached by ClinVar (database versions not stated): gnomAD 0.00638 and 0.00680; TOPMed 0.00736; 1000 Genomes Project 0.00859; 1000 Genomes Project 30x 0.00968.

Submission:

Illumina Laboratory Services, Illumina
Classification: Benign for Disorders of Intracellular Cobalamin Metabolism. Last evaluated: 2017-04-27. Review status: criteria provided, single submitter. Criteria: ICSL Variant Classification Criteria 13 December 2019. Collection method: clinical testing. Allele origin: germline.
Comment: This variant was observed as part of a predisposition screen in an ostensibly healthy population. A literature search was performed for the gene, cDNA change, and amino acid change (where applicable). No publications were found based on this search. Allele frequency data from public databases was too high to be consistent with this variant causing disease. Therefore, this variant is classified as benign.

NM_000254.3(MTR):c.*3169A>T

Gene: MTR (5-methyltetrahydrofolate-homocysteine methyltransferase; plus strand). Cytogenetic location: 1q43.
Variant type: single nucleotide variant.
Coding change: c.*3169A>T on transcript NM_000254.3 (MANE Select); 3169 bases downstream of the stop codon, A replaced by T.
Molecular consequence: 3 prime UTR variant.
Genome position (GRCh38, 1-based): chr1:236,900,813, A>T. VCF-style: chr1-236900813-A-T. GRCh37 (hg19) VCF-style: chr1-237064113-A-T.
Other names: c.*3169A>T (NM_001291939.1, NM_001291940.2).
Identifiers: ClinVar variation 875770 (VCV000875770.4), dbSNP rs75398835, ClinGen allele CA39768400.